The following is an entry in ClinVar:

ClinVar aggregate classification (germline): Uncertain significance. Review status: criteria provided, multiple submitters, no conflicts (2 of 4 stars). 2 submissions from 2 submitters: Uncertain significance (2). Last evaluated 2025-09-17.

Conditions:
Hypertrophic cardiomyopathy. Also called: HYPERTROPHIC MYOCARDIOPATHY. Identifiers: Orphanet 217569, MedGen C0007194, MeSH D002312, MONDO:0005045, HP:0001639.

Submissions (2):

Labcorp Genetics (formerly Invitae), Labcorp
Classification: Uncertain significance for Hypertrophic cardiomyopathy. Last evaluated: 2025-09-17. Review status: criteria provided, single submitter. Criteria: Invitae Variant Classification Sherloc (09022015). Collection method: clinical testing. Allele origin: germline.
Comment: This sequence change replaces cysteine, which is neutral and slightly polar, with arginine, which is basic and polar, at codon 538 of the MYH7 protein (p.Cys538Arg). This variant is not present in population databases (gnomAD no frequency). This missense change has been observed in individual(s) with left ventricular noncompaction (PMID: 33500567). ClinVar contains an entry for this variant (Variation ID: 42855). Invitae Evidence Modeling of protein sequence and biophysical properties (such as structural, functional, and spatial information, amino acid conservation, physicochemical variation, residue mobility, and thermodynamic stability) indicates that this missense variant is expected to disrupt MYH7 protein function with a positive predictive value of 95%. In summary, the available evidence is currently insufficient to determine the role of this variant in disease. Therefore, it has been classified as a Variant of Uncertain Significance.

Laboratory for Molecular Medicine, Mass General Brigham Personalized Medicine
Classification: Uncertain significance. Last evaluated: 2014-01-09. Review status: criteria provided, single submitter. Criteria: LMM Criteria. Collection method: clinical testing. Allele origin: germline. Observed: 1 variant allele.
Comment: proposed classification - variant undergoing re-assessment, contact laboratory

Literature cited by the submitters: PubMed 33500567 (cited by Labcorp Genetics (formerly Invitae), Labcorp).

NM_000257.4(MYH7):c.1612T>C (p.Cys538Arg)

Gene: MYH7 (myosin heavy chain 7; minus strand). Cytogenetic location: 14q11.2.
Variant type: single nucleotide variant.
Coding change: c.1612T>C on transcript NM_000257.4 (MANE Select); coding-DNA position 1612, T replaced by C.
Protein change: p.Cys538Arg; replaces cysteine 538 with arginine.
Molecular consequence: missense variant.
Genome position (GRCh38, 1-based): chr14:23,427,861, A>G on the plus strand (T>C on the coding strand, the complement: MYH7 is on the minus strand). VCF-style: chr14-23427861-A-G. GRCh37 (hg19) VCF-style: chr14-23897070-A-G.
Other names: short protein forms C538R.
Identifiers: ClinVar variation 42855 (VCV000042855.6), dbSNP rs397516116, ClinGen allele CA011060.
Genomic context (GRCh38, chr14:23,427,861, plus strand): 5'-CCAGGTGGTTGTCAAACAGCTTGGCCTTGAAGGTCATGTCGGTGGCCTTGGGGAACATGC[A>G]CTCCTCTTCCAGGATGGACATGATGCCCATGGGCTGAGGAAGCAGGAGAGAGCATCACTG-3'
Protein context (NP_000248.2, residues 528-548): MGIMSILEEE[Cys538Arg]MFPKATDMTF